The following is an entry in ClinVar:

NM_003640.5(ELP1):c.2374G>A (p.Val792Ile)

Gene: ELP1 (elongator acetyltransferase complex subunit 1; minus strand). Cytogenetic location: 9q31.3.
Variant type: single nucleotide variant.
Coding change: c.2374G>A on transcript NM_003640.5 (MANE Select); coding-DNA position 2374, G replaced by A.
Protein change: p.Val792Ile; replaces valine 792 with isoleucine.
Molecular consequence: missense variant.
Genome position (GRCh38, 1-based): chr9:108,897,275, C>T on the plus strand (G>A on the coding strand, the complement: ELP1 is on the minus strand). VCF-style: chr9-108897275-C-T. GRCh37 (hg19) VCF-style: chr9-111659555-C-T.
Other names: c.2032G>A, p.Val678Ile (NM_001318360.2); c.1327G>A, p.Val443Ile (NM_001330749.2); c.2374G>A (NM_003640.4, NM_003640.3); short protein forms V443I, V678I, V792I.
Identifiers: ClinVar variation 990647 (VCV000990647.6), dbSNP rs546587836, ClinGen allele CA197533297.

ClinVar aggregate classification (germline): Conflicting classifications of pathogenicity. Review status: criteria provided, conflicting classifications (1 of 4 stars). 5 submissions from 5 submitters: Uncertain significance (3); Likely benign (1). 1 of the submissions does not count toward it. Last evaluated 2026-08-25.

Conditions:
ELP1-related disorder. Also called: ELP1-related condition.
Familial dysautonomia. Also called: FD; HSAN III. Identifiers: Orphanet 1764, MedGen C0013364, MONDO:0009131, OMIM 223900. Disease mechanism: loss of function.
Medulloblastoma (MDB). Also called: Medulloblastoma, somatic; MEDULLOBLASTOMA PREDISPOSITION SYNDROME. Identifiers: Orphanet 616, MedGen C0025149, MeSH D008527, MONDO:0007959, OMIM 155255, HP:0002885.

Allele frequency attached by ClinVar (database versions not stated): gnomAD exomes below 0.00001 and 0.00001; gnomAD 0.00001; TOPMed 0.00001.
gnomAD v4.1: 9 of 1,613,988 alleles (0.00056%); highest among the groups gnomAD compares: Non-Finnish European, 0.00076%; no homozygotes.

Submissions (5):

PreventionGenetics, part of Exact Sciences
Classification: Uncertain significance for ELP1-related condition. Last evaluated: 2026-08-25. Review status: criteria provided, single submitter. Criteria: ACMG Guidelines, 2015. Collection method: clinical testing. Allele origin: germline.
Comment: The ELP1 c.2374G>A variant is predicted to result in the amino acid substitution p.Val792Ile. To our knowledge, this variant has not been reported in the literature. This variant is reported in 0.00088% of alleles in individuals of European (non-Finnish) descent in gnomAD. At this time, the clinical significance of this variant is uncertain due to the absence of conclusive functional and genetic evidence.

Ambry Genetics
Classification: Likely benign. Last evaluated: 2023-11-30. Review status: criteria provided, single submitter. Criteria: Ambry Variant Classification Scheme 2023. Collection method: clinical testing. Allele origin: germline.

Labcorp Genetics (formerly Invitae), Labcorp
Classification: Uncertain significance. Last evaluated: 2022-03-16. Review status: criteria provided, single submitter. Criteria: Invitae Variant Classification Sherloc (09022015). Collection method: clinical testing. Allele origin: germline.
Comment: This sequence change replaces valine, which is neutral and non-polar, with isoleucine, which is neutral and non-polar, at codon 792 of the ELP1 protein (p.Val792Ile). This variant is not present in population databases (gnomAD no frequency). This variant has not been reported in the literature in individuals affected with ELP1-related conditions. ClinVar contains an entry for this variant (Variation ID: 990647). Algorithms developed to predict the effect of missense changes on protein structure and function output the following: SIFT: "Tolerated"; PolyPhen-2: "Benign"; Align-GVGD: "Class C0". The isoleucine amino acid residue is found in multiple mammalian species, which suggests that this missense change does not adversely affect protein function. In summary, the available evidence is currently insufficient to determine the role of this variant in disease. Therefore, it has been classified as a Variant of Uncertain Significance.

Fulgent Genetics
Classification: Uncertain significance for Medulloblastoma; Familial dysautonomia. Last evaluated: 2021-08-17. Review status: criteria provided, single submitter. Criteria: ACMG Guidelines, 2015. Collection method: clinical testing. Allele origin: unknown.

Natera, Inc.
Classification: Uncertain significance for Familial dysautonomia. Last evaluated: 2020-08-18. Review status: no assertion criteria provided. Collection method: clinical testing. Allele origin: germline. Not counted in ClinVar's aggregate classification.

Literature cited by the submitters: PubMed 36413997 (cited by Ambry Genetics).